The following is an entry in ClinVar:

NM_001042545.2(LTBP4):c.1491G>T (p.Arg497=)

Gene: LTBP4 (latent transforming growth factor beta binding protein 4; plus strand). Cytogenetic location: 19q13.2.
Variant type: single nucleotide variant.
Coding change: c.1491G>T on transcript NM_001042545.2 (MANE Select); coding-DNA position 1491, G replaced by T.
Protein change: p.Arg497=; no amino-acid change (arginine 497 retained).
Molecular consequence: synonymous variant.
Genome position (GRCh38, 1-based): chr19:40,609,594, G>T. VCF-style: chr19-40609594-G-T. GRCh37 (hg19) VCF-style: chr19-41115500-G-T.
Other names: c.1692G>T, p.Arg564= (NM_001042544.1); c.1581G>T, p.Arg527= (NM_003573.2).
Identifiers: ClinVar variation 329308 (VCV000329308.53), dbSNP rs117273116, ClinGen allele CA9448333.

ClinVar aggregate classification (germline): Benign/Likely benign. Review status: criteria provided, multiple submitters, no conflicts (2 of 4 stars). 5 submissions from 5 submitters: Benign (1); Likely benign (4). Last evaluated 2026-08-01.

Conditions:
Cutis laxa with severe pulmonary, gastrointestinal and urinary anomalies. Also called: URBAN-RIFKIN-DAVIS SYNDROME; Cutis laxa, autosomal recessive, type IC; LTBP4-Related Cutis Laxa. Identifiers: Orphanet 221145, MedGen C2750804, MONDO:0013170, OMIM 613177. Disease mechanism: loss of function.

Allele frequency attached by ClinVar (database versions not stated): 1000 Genomes Project 0.00140; 1000 Genomes Project 30x 0.00156; gnomAD exomes 0.00269 and 0.00432; gnomAD 0.00290; ExAC 0.00308; TOPMed 0.00312; ESP Exome Variant Server 0.00400.
gnomAD v4.1: 6,611 of 1,613,464 alleles (0.41%); highest among the groups gnomAD compares: Non-Finnish European, 0.52%; 22 homozygotes.

Submissions (9):

CeGaT Center for Human Genetics Tuebingen
Classification: Likely benign. Last evaluated: 2026-08-01. Review status: criteria provided, single submitter. Criteria: CeGaT Center For Human Genetics Tuebingen Variant Classification Criteria Version 2. Collection method: clinical testing. Allele origin: germline. Affected: yes. Observed: 16 variant alleles.
Comment: LTBP4: BP4, BP7, BS2

Labcorp Genetics (formerly Invitae), Labcorp
Classification: Benign. Last evaluated: 2026-02-01. Review status: criteria provided, single submitter. Criteria: Invitae Variant Classification Sherloc (09022015). Collection method: clinical testing. Allele origin: germline.

GeneDx
Classification: Likely benign. Last evaluated: 2021-03-17. Review status: criteria provided, single submitter. Criteria: GeneDx Variant Classification Process June 2021. Collection method: clinical testing. Allele origin: germline. Affected: yes.

Illumina Laboratory Services, Illumina
Classification: Likely benign for Cutis laxa with severe pulmonary, gastrointestinal and urinary anomalies. Last evaluated: 2018-01-13. Review status: criteria provided, single submitter. Criteria: ICSL Variant Classification Criteria 13 December 2019. Collection method: clinical testing. Allele origin: germline.
Comment: This variant was observed in the ICSL laboratory as part of a predisposition screen in an ostensibly healthy population. It had not been previously curated by ICSL or reported in the Human Gene Mutation Database (HGMD: prior to June 1st, 2018), and was therefore a candidate for classification through an automated scoring system. Utilizing variant allele frequency, disease prevalence and penetrance estimates, and inheritance mode, an automated score was calculated to assess if this variant is too frequent to cause the disease. Based on the score and internal cut-off values, a variant classified as likely benign is not then subjected to further curation. The score for this variant resulted in a classification of likely benign for this disease.

Breakthrough Genomics
Classification: Likely benign. Review status: criteria provided, single submitter. Criteria: ACMG Guidelines, 2015. Collection method: not provided. Allele origin: germline. Inheritance: Autosomal recessive inheritance. Affected: yes.

Dr. Peter K. Rogan Lab, Western University
No classification provided (evidence only). Condition: Clear cell carcinoma of kidney. Review status: no classification provided. Collection method: in vitro. Allele origin: not applicable. Functional consequence: retained intron. Not counted in ClinVar's aggregate classification.

Dr. Peter K. Rogan Lab, Western University
No classification provided (evidence only). Condition: Lung cancer. Review status: no classification provided. Collection method: in vitro. Allele origin: not applicable. Functional consequence: retained intron. Not counted in ClinVar's aggregate classification.

Dr. Peter K. Rogan Lab, Western University
No classification provided (evidence only). Condition: Ovarian serous cystadenocarcinoma. Review status: no classification provided. Collection method: in vitro. Allele origin: not applicable. Functional consequence: retained intron. Not counted in ClinVar's aggregate classification.

Dr. Peter K. Rogan Lab, Western University
No classification provided (evidence only). Condition: Ovarian serous cystadenocarcinoma. Review status: no classification provided. Collection method: in vitro. Allele origin: not applicable. Functional consequence: retained intron. Not counted in ClinVar's aggregate classification.